The following is an entry in ClinVar:

NM_000038.6(APC):c.1408+890C>A

Gene: APC (APC regulator of WNT signaling pathway; plus strand). Cytogenetic location: 5q22.2.
Variant type: single nucleotide variant.
Coding change: c.1408+890C>A on transcript NM_000038.6 (MANE Select); 890 bases into the intron after coding-DNA position 1408, C replaced by A.
Molecular consequence: intron variant.
Genome position (GRCh38, 1-based): chr5:112,822,881, C>A. VCF-style: chr5-112822881-C-A. GRCh37 (hg19) VCF-style: chr5-112158578-C-A.
Other names: c.1408+890C>A (NM_001354895.2, NM_001127510.3); c.1438+890C>A (NM_001354897.2); c.1135+890C>A (NM_001354902.2); c.1354+890C>A (NM_001127511.3); c.1333+890C>A (NM_001354898.2); c.1030+890C>A (NM_001354904.2); c.559+890C>A (NM_001354906.2); c.1409-426C>A (NM_001354896.2); and 5 more.
Identifiers: ClinVar variation 82575 (VCV000082575.2), dbSNP rs79239291, ClinGen allele CA004975.

ClinVar aggregate classification (germline): other (0 of 4 stars; one submission).

Conditions:
Familial colorectal cancer. Identifiers: MedGen CN280943, MONDO:0023113. Disease mechanism: loss of function.

Submission:

Systems Biology Platform Zhejiang California International NanoSystems Institute
Classification: other for Familial colorectal cancer. Review status: no assertion criteria provided. Collection method: not provided. Allele origin: unknown.
ClinVar note: Converted during submission from cancer to other.